The following is an entry in ClinVar:

ClinVar aggregate classification (germline): Uncertain significance (1 of 4 stars; one submission).

Submission:

Labcorp Genetics (formerly Invitae), Labcorp
Classification: Uncertain significance. Last evaluated: 2026-01-21. Review status: criteria provided, single submitter. Criteria: Invitae Variant Classification Sherloc (09022015). Collection method: clinical testing. Allele origin: germline.
Comment: This sequence change replaces proline, which is neutral and non-polar, with glutamine, which is neutral and polar, at codon 209 of the GLIS3 protein (p.Pro209Gln). This variant is not present in population databases (gnomAD no frequency). This variant has not been reported in the literature in individuals affected with GLIS3-related conditions. An algorithm developed to predict the effect of missense changes on protein structure and function (PolyPhen-2) suggests that this variant is likely to be tolerated. In summary, the available evidence is currently insufficient to determine the role of this variant in disease. Therefore, it has been classified as a Variant of Uncertain Significance.

NM_001042413.2(GLIS3):c.1091C>A (p.Pro364Gln)

Gene: GLIS3 (GLIS family zinc finger 3; minus strand). Cytogenetic location: 9p24.2.
Variant type: single nucleotide variant.
Coding change: c.1091C>A on transcript NM_001042413.2 (MANE Select); coding-DNA position 1091, C replaced by A.
Protein change: p.Pro364Gln; replaces proline 364 with glutamine.
Molecular consequence: missense variant.
Genome position (GRCh38, 1-based): chr9:4,118,387, G>T on the plus strand (C>A on the coding strand, the complement: GLIS3 is on the minus strand). VCF-style: chr9-4118387-G-T. GRCh37 (hg19) VCF-style: chr9-4118387-G-T.
Other names: c.1091C>A, p.Pro364Gln (NM_001438906.1, NM_001438907.1, NM_001438908.1 and 2 more transcripts); c.626C>A, p.Pro209Gln (NM_001438909.1, NM_001438915.1, NM_152629.4); c.425C>A, p.Pro142Gln (NM_001438911.1, NM_001438912.1, NM_001438916.1); short protein forms P142Q, P364Q, P209Q.
Identifiers: ClinVar variation 4735933 (VCV004735933.1).
Genomic context (GRCh38, chr9:4,118,387, plus strand): 5'-TAGGCCGGCAGCGCCAGGCCTCCAGGGGCCACCAGCACGCCCTTCTGGCTGCCGGGCACC[G>T]GGCGCGGCTGGGGAATGCAGCTGCCGCGCACGCCCAGGAAATGCCCGTAGACCTCCGGCT-3'
Protein context (NP_001035878.1, residues 354-374): VRGSCIPQPR[Pro364Gln]VPGSQKGVLV